The following is an entry in ClinVar:

NM_000038.6(APC):c.1841C>G (p.Ala614Gly)

Gene: APC (APC regulator of Wnt signaling pathway; plus strand). Cytogenetic location: 5q22.2.
Variant type: single nucleotide variant.
Coding change: c.1841C>G on transcript NM_000038.6 (MANE Select); coding-DNA position 1841, C replaced by G.
Protein change: p.Ala614Gly; replaces alanine 614 with glycine.
Molecular consequence: missense variant.
Genome position (GRCh38, 1-based): chr5:112,835,048, C>G. VCF-style: chr5-112835048-C-G. GRCh37 (hg19) VCF-style: chr5-112170745-C-G.
Other names: c.1841C>G, p.Ala614Gly (NM_001127510.3, NM_001354895.2); c.1787C>G, p.Ala596Gly (NM_001127511.3); c.1895C>G, p.Ala632Gly (NM_001354896.2); c.1871C>G, p.Ala624Gly (NM_001354897.2); c.1766C>G, p.Ala589Gly (NM_001354898.2); c.1757C>G, p.Ala586Gly (NM_001354899.2); c.1718C>G, p.Ala573Gly (NM_001354900.2); c.1664C>G, p.Ala555Gly (NM_001354901.2); and 5 more; short protein forms A513G, A523G, A555G, A573G, A331G, A488G, A589G, A454G.
Identifiers: ClinVar variation 640069 (VCV000640069.16), dbSNP rs1161113466, ClinGen allele CA16025349.

ClinVar aggregate classification (germline): Uncertain significance. Review status: criteria provided, multiple submitters, no conflicts (2 of 4 stars). 3 submissions from 3 submitters: Uncertain significance (3). Last evaluated 2025-05-17.

Conditions:
Hereditary cancer-predisposing syndrome. Also called: Neoplastic Syndromes, Hereditary; Tumor predisposition; Hereditary Cancer Syndrome; Hereditary neoplastic syndrome. Identifiers: Orphanet 140162, MedGen C0027672, MeSH D009386, MONDO:0015356.
Familial adenomatous polyposis 1 (FAP1). Also called: POLYPOSIS, ADENOMATOUS INTESTINAL; FAMILIAL ADENOMATOUS POLYPOSIS 1, ATTENUATED. Identifiers: MedGen C2713442, MONDO:0021056, OMIM 175100. Disease mechanism: loss of function.

Allele frequency attached by ClinVar (database versions not stated): gnomAD exomes below 0.00001.
gnomAD v4.1: 2 of 1,614,108 alleles (0.00012%); highest among the groups gnomAD compares: Non-Finnish European, 0.00017%; no homozygotes.

Submissions (3):

Ambry Genetics
Classification: Uncertain significance for Hereditary cancer-predisposing syndrome. Last evaluated: 2025-05-17. Review status: criteria provided, single submitter. Criteria: Ambry Variant Classification Scheme 2023. Collection method: clinical testing. Allele origin: germline.
Comment: The p.A614G variant (also known as c.1841C>G), located in coding exon 14 of the APC gene, results from a C to G substitution at nucleotide position 1841. The alanine at codon 614 is replaced by glycine, an amino acid with similar properties. This amino acid position is highly conserved in available vertebrate species. In addition, in silico predictors for this gene do not accurately predict pathogenicity. Since supporting evidence is limited at this time, the clinical significance of this alteration remains unclear.

Color Diagnostics, LLC DBA Color Health
Classification: Uncertain significance for Hereditary cancer-predisposing syndrome. Last evaluated: 2024-03-06. Review status: criteria provided, single submitter. Criteria: ACMG Guidelines, 2015. Collection method: clinical testing. Allele origin: germline.
Comment: This missense variant replaces alanine with glycine at codon 614 of the APC protein. Computational prediction suggests that this variant may not impact protein structure and function (internally defined REVEL score threshold <= 0.5, PMID: 27666373). To our knowledge, functional studies have not been reported for this variant. This variant has not been reported in individuals affected with APC-related disorders in the literature. This variant has been identified in 1/251312 chromosomes in the general population by the Genome Aggregation Database (gnomAD). The available evidence is insufficient to determine the role of this variant in disease conclusively. Therefore, this variant is classified as a Variant of Uncertain Significance.

Labcorp Genetics (formerly Invitae), Labcorp
Classification: Uncertain significance for Familial adenomatous polyposis 1. Last evaluated: 2023-09-17. Review status: criteria provided, single submitter. Criteria: Invitae Variant Classification Sherloc (09022015). Collection method: clinical testing. Allele origin: germline.
Comment: This variant is present in population databases (no rsID available, gnomAD 0.003%). This sequence change replaces alanine, which is neutral and non-polar, with glycine, which is neutral and non-polar, at codon 614 of the APC protein (p.Ala614Gly). This variant has not been reported in the literature in individuals affected with APC-related conditions. In summary, the available evidence is currently insufficient to determine the role of this variant in disease. Therefore, it has been classified as a Variant of Uncertain Significance. Advanced modeling of protein sequence and biophysical properties (such as structural, functional, and spatial information, amino acid conservation, physicochemical variation, residue mobility, and thermodynamic stability) performed at Invitae indicates that this missense variant is not expected to disrupt APC protein function. ClinVar contains an entry for this variant (Variation ID: 640069).